The following is an entry in ClinVar:

NM_001844.5(COL2A1):c.4058T>C (p.Ile1353Thr)

Gene: COL2A1 (collagen type II alpha 1 chain; minus strand). Cytogenetic location: 12q13.11.
Variant type: single nucleotide variant.
Coding change: c.4058T>C on transcript NM_001844.5 (MANE Select); coding-DNA position 4058, T replaced by C.
Protein change: p.Ile1353Thr; replaces isoleucine 1353 with threonine.
Molecular consequence: missense variant.
Genome position (GRCh38, 1-based): chr12:47,974,691, A>G on the plus strand (T>C on the coding strand, the complement: COL2A1 is on the minus strand). VCF-style: chr12-47974691-A-G. GRCh37 (hg19) VCF-style: chr12-48368474-A-G.
Other names: c.3851T>C, p.Ile1284Thr (NM_033150.3); short protein forms I1284T, I1353T.
Identifiers: ClinVar variation 1806788 (VCV001806788.1), dbSNP rs2540097035, ClinGen allele CA384535374.

ClinVar aggregate classification (germline): Uncertain significance (1 of 4 stars; one submission).

Allele frequency attached by ClinVar (database versions not stated): gnomAD exomes below 0.00001.
gnomAD v4.1: 2 of 1,614,166 alleles (0.00012%); highest among the groups gnomAD compares: Middle Eastern, 0.016%; no homozygotes.

Submission:

GeneDx
Classification: Uncertain significance. Last evaluated: 2022-06-20. Review status: criteria provided, single submitter. Criteria: GeneDx Variant Classification Process June 2021. Collection method: clinical testing. Allele origin: germline. Affected: yes.
Comment: Has not been previously published as pathogenic or benign to our knowledge; Not located in the triple helical region, where the majority of pathogenic missense variants occur (HGMD); Not observed at significant frequency in large population cohorts (gnomAD); In silico analysis supports that this missense variant has a deleterious effect on protein structure/function